The following is an entry in ClinVar:

ClinVar aggregate classification (germline): Conflicting classifications of pathogenicity. Review status: criteria provided, conflicting classifications (1 of 4 stars). 2 submissions from 2 submitters: Likely pathogenic (1); Uncertain significance (1). Last evaluated 2023-11-06.

Conditions:
Joubert syndrome 8 (JBTS8). Identifiers: Orphanet 475, MedGen C2676771, MONDO:0012855, OMIM 612291.
Joubert syndrome and related disorders. Identifiers: Orphanet 140874, MedGen C5679612, MONDO:0015369.

Allele frequency attached by ClinVar (database versions not stated): gnomAD exomes 0.00001 and 0.00004; gnomAD 0.00003; ExAC 0.00004; TOPMed 0.00005.
gnomAD v4.1: 25 of 1,613,110 alleles (0.0015%); highest among the groups gnomAD compares: Admixed American, 0.013%; no homozygotes.

Submissions (2):

Labcorp Genetics (formerly Invitae), Labcorp
Classification: Uncertain significance for Joubert syndrome 8. Last evaluated: 2023-11-06. Review status: criteria provided, single submitter. Criteria: Invitae Variant Classification Sherloc (09022015). Collection method: clinical testing. Allele origin: germline.
Comment: This sequence change creates a premature translational stop signal (p.Arg418*) in the ARL13B gene. However, it is currently unclear if variants that occur in this region of the gene cause disease. This variant is present in population databases (rs779260568, gnomAD 0.02%). This variant has not been reported in the literature in individuals affected with ARL13B-related conditions. ClinVar contains an entry for this variant (Variation ID: 1076045). In summary, the available evidence is currently insufficient to determine the role of this variant in disease. Therefore, it has been classified as a Variant of Uncertain Significance.

Women's Health and Genetics/Laboratory Corporation of America, LabCorp
Classification: Likely pathogenic for Joubert syndrome and related disorders. Last evaluated: 2021-10-29. Review status: criteria provided, single submitter. Criteria: LabCorp Variant Classification Summary - May 2015. Collection method: clinical testing. Allele origin: germline.
Comment: Variant summary: ARL13B c.1252C>T (p.Arg418X) results in a premature termination codon, predicted to cause a truncation of the encoded protein or absence of the protein due to nonsense mediated decay, which are commonly known mechanisms for disease. The variant allele was found at a frequency of 4e-05 in 250836 control chromosomes. This frequency is not significantly higher than expected for a pathogenic variant in ARL13B causing Joubert Syndrome And Related Disorders (4e-05 vs 0.0004), allowing no conclusion about variant significance. To our knowledge, no occurrence of c.1252C>T in individuals affected with Joubert Syndrome And Related Disorders and no experimental evidence demonstrating its impact on protein function have been reported. One clinical diagnostic laboratory has submitted clinical-significance assessments for this variant to ClinVar after 2014 without evidence for independent evaluation and classified the variant as pathogenic. Based on the evidence outlined above, the variant was classified as likely pathogenic.

NM_001174150.2(ARL13B):c.1252C>T (p.Arg418Ter)

Gene: ARL13B (ARF like GTPase 13B; plus strand). Cytogenetic location: 3q11.2.
Variant type: single nucleotide variant.
Coding change: c.1252C>T on transcript NM_001174150.2 (MANE Select); coding-DNA position 1252, C replaced by T.
Protein change: p.Arg418Ter; replaces arginine 418 with a stop codon.
Molecular consequence: nonsense. On other transcripts: non-coding transcript variant (2).
Genome position (GRCh38, 1-based): chr3:94,053,228, C>T. VCF-style: chr3-94053228-C-T. GRCh37 (hg19) VCF-style: chr3-93772072-C-T.
Other names: c.943C>T, p.Arg315Ter (NM_001174151.2); c.1207C>T, p.Arg403Ter (NM_001321328.2); c.931C>T, p.Arg311Ter (NM_144996.4); c.1252C>T, p.Arg418Ter (NM_182896.3); short protein forms R311*, R315*, R403*, R418*.
Identifiers: ClinVar variation 1076045 (VCV001076045.5), dbSNP rs779260568, ClinGen allele CA2504325.